The following is an entry in ClinVar:

ClinVar aggregate classification (germline): Uncertain significance (1 of 4 stars; one submission).

Conditions:
Thrombocytopenia 1. Also called: THROMBOCYTOPENIA, X-LINKED, 1; X-Linked Thrombocytopenia (XLT); X-linked thrombocytopenia with normal platelets. Identifiers: Orphanet 268322, Orphanet 852, MedGen C1839163, MONDO:0010743, OMIM 313900.
Wiskott-Aldrich syndrome (WAS). Also called: ALDRICH SYNDROME; IMMUNODEFICIENCY 2; WISKOTT-ALDRICH SYNDROME 1; Wiskott-aldrich syndrome, somatic. Identifiers: Orphanet 906, MedGen C0043194, MONDO:0010518, OMIM 301000.
X-linked severe congenital neutropenia (SCNX). Identifiers: Orphanet 86788, MedGen C1845987, MONDO:0010294, OMIM 300299.

Submission:

Labcorp Genetics (formerly Invitae), Labcorp
Classification: Uncertain significance for Wiskott-Aldrich syndrome; X-linked severe congenital neutropenia; Thrombocytopenia 1. Last evaluated: 2024-10-02. Review status: criteria provided, single submitter. Criteria: Invitae Variant Classification Sherloc (09022015). Collection method: clinical testing. Allele origin: germline.
Comment: This sequence change replaces serine, which is neutral and polar, with arginine, which is basic and polar, at codon 462 of the WAS protein (p.Ser462Arg). This variant is not present in population databases (gnomAD no frequency). This variant has not been reported in the literature in individuals affected with WAS-related conditions. An algorithm developed to predict the effect of missense changes on protein structure and function outputs the following: PolyPhen-2: "Not Available". The arginine amino acid residue is found in multiple mammalian species, which suggests that this missense change does not adversely affect protein function. In summary, the available evidence is currently insufficient to determine the role of this variant in disease. Therefore, it has been classified as a Variant of Uncertain Significance.

NM_000377.3(WAS):c.1386C>G (p.Ser462Arg)

Gene: WAS (WASP actin nucleation promoting factor; plus strand). Cytogenetic location: Xp11.23.
Variant type: single nucleotide variant.
Coding change: c.1386C>G on transcript NM_000377.3 (MANE Select); coding-DNA position 1386, C replaced by G.
Protein change: p.Ser462Arg; replaces serine 462 with arginine.
Molecular consequence: missense variant.
Genome position (GRCh38, 1-based): chrX:48,689,367, C>G. VCF-style: chrX-48689367-C-G. GRCh37 (hg19) VCF-style: chrX-48547756-C-G.
Other names: short protein forms S462R.
Identifiers: ClinVar variation 3757985 (VCV003757985.2).